The following is an entry in ClinVar:

NM_017514.5(PLXNA3):c.55G>A (p.Gly19Ser)

Gene: PLXNA3 (plexin A3; plus strand). Cytogenetic location: Xq28.
Variant type: single nucleotide variant.
Coding change: c.55G>A on transcript NM_017514.5 (MANE Select); coding-DNA position 55, G replaced by A.
Protein change: p.Gly19Ser; replaces glycine 19 with serine.
Molecular consequence: missense variant.
Genome position (GRCh38, 1-based): chrX:154,460,238, G>A. VCF-style: chrX-154460238-G-A. GRCh37 (hg19) VCF-style: chrX-153688578-G-A.
Other names: short protein forms G19S.
Identifiers: ClinVar variation 2358147 (VCV002358147.5), dbSNP rs200617248, ClinGen allele CA10563583.

ClinVar aggregate classification (germline): Uncertain significance. Review status: criteria provided, single submitter (1 of 4 stars). 2 submissions from 2 submitters: Uncertain significance (1). 1 of the submissions does not count toward it. Last evaluated 2025-03-31.

Conditions:
PLXNA3-related disorder. Also called: PLXNA3-related condition.

Allele frequency attached by ClinVar (database versions not stated): gnomAD exomes 0.00016; ExAC 0.00006; gnomAD 0.00008; TOPMed 0.00003; ESP Exome Variant Server 0.00019; 1000 Genomes Project 30x 0.00021; 1000 Genomes Project 0.00026.
gnomAD v4.1: 177 of 1,208,510 alleles (0.015%); highest among the groups gnomAD compares: Non-Finnish European, 0.019%; no homozygotes.

Submissions (2):

Ambry Genetics
Classification: Uncertain significance. Last evaluated: 2025-03-31. Review status: criteria provided, single submitter. Criteria: Ambry Variant Classification Scheme 2023. Collection method: clinical testing. Allele origin: germline.

PreventionGenetics, part of Exact Sciences
Classification: Uncertain significance for PLXNA3-related condition. Last evaluated: 2024-05-03. Review status: no assertion criteria provided. Collection method: clinical testing. Allele origin: germline. Not counted in ClinVar's aggregate classification.
Comment: The PLXNA3 c.55G>A variant is predicted to result in the amino acid substitution p.Gly19Ser. To our knowledge, this variant has not been reported in the literature. The c.55G>A variant is reported in 0.015% of alleles in individuals of European (Non-Finnish) descent in gnomAD, including one hemizygote, in gnomAD v2 (as displayed in the table above). However, in gnomAD v4.1 (available only on GRCh38), while it occurs at a similar allele frequency of 0.019% in the same population, the whole dataset includes 50 hemizygotes for this variant. This data is not consistent with this variant being a primary cause of disease. Although we suspect that this variant may be benign, the clinical significance of this variant is classified as uncertain at this time due to insufficient functional and genetic evidence.